The following is an entry in ClinVar:

NM_003072.5(SMARCA4):c.4439A>T (p.Gln1480Leu)

Gene: SMARCA4 (SWI/SNF related BAF chromatin remodeling complex subunit ATPase 4; plus strand). Cytogenetic location: 19p13.2.
Variant type: single nucleotide variant.
Coding change: c.4439A>T on transcript NM_003072.5 (MANE Select); coding-DNA position 4439, A replaced by T.
Protein change: p.Gln1480Leu; replaces glutamine 1480 with leucine.
Molecular consequence: missense variant. On other transcripts: non-coding transcript variant (1).
Genome position (GRCh38, 1-based): chr19:11,058,269, A>T. VCF-style: chr19-11058269-A-T. GRCh37 (hg19) VCF-style: chr19-11168945-A-T.
Other names: c.4340A>T, p.Gln1447Leu (NM_001374457.1, NM_001128847.4); c.4535A>T, p.Gln1512Leu (NM_001387283.1, NM_001128849.3); c.4436A>T, p.Gln1479Leu (NM_001411150.1); c.4439A>T, p.Gln1480Leu (NM_001128844.3); c.4349A>T, p.Gln1450Leu (NM_001128845.2); c.4346A>T, p.Gln1449Leu (NM_001128846.2); c.4337A>T, p.Gln1446Leu (NM_001128848.2); short protein forms Q1449L, Q1479L, Q1480L, Q1446L, Q1450L, Q1512L, Q1447L.
Identifiers: ClinVar variation 3958476 (VCV003958476.1).

ClinVar aggregate classification (germline): Uncertain significance (1 of 4 stars; one submission).

Conditions:
Hereditary cancer-predisposing syndrome. Also called: Tumor predisposition; Hereditary neoplastic syndrome; Hereditary Cancer Syndrome; Neoplastic Syndromes, Hereditary. Identifiers: Orphanet 140162, MedGen C0027672, MeSH D009386, MONDO:0015356.

Submission:

Ambry Genetics
Classification: Uncertain significance for Hereditary cancer-predisposing syndrome. Last evaluated: 2025-05-29. Review status: criteria provided, single submitter. Criteria: Ambry Variant Classification Scheme 2023. Collection method: clinical testing. Allele origin: germline.
Comment: The p.Q1512L variant (also known as c.4535A>T), located in coding exon 31 of the SMARCA4 gene, results from an A to T substitution at nucleotide position 4535. The glutamine at codon 1512 is replaced by leucine, an amino acid with dissimilar properties. This amino acid position is conserved. In addition, this alteration is predicted to be tolerated by in silico analysis. Based on the available evidence, the clinical significance of this variant remains unclear.